The following is an entry in ClinVar:

NM_001165963.4(SCN1A):c.5798G>T (p.Arg1933Leu)

Genes: SCN1A (sodium voltage-gated channel alpha subunit 1; minus strand), LOC102724058 (uncharacterized LOC102724058; plus strand). Cytogenetic location: 2q24.3.
Variant type: single nucleotide variant.
Coding change: c.5798G>T on transcript NM_001165963.4 (MANE Select); coding-DNA position 5798, G replaced by T.
Protein change: p.Arg1933Leu; replaces arginine 1933 with leucine.
Molecular consequence: missense variant. On other transcripts: non-coding transcript variant (1).
Genome position (GRCh38, 1-based): chr2:165,991,477, C>A on the plus strand (G>T on the coding strand, the complement: SCN1A is on the minus strand). VCF-style: chr2-165991477-C-A. GRCh37 (hg19) VCF-style: chr2-166847987-C-A.
Other names: c.5714G>T, p.Arg1905Leu (NM_001165964.3, NM_001353957.2, NM_001353958.2); c.5798G>T, p.Arg1933Leu (NM_001202435.3, NM_001353948.2); c.5765G>T, p.Arg1922Leu (NM_001353949.2, NM_001353950.2, NM_001353951.2 and 2 more transcripts); c.5762G>T, p.Arg1921Leu (NM_001353954.2, NM_001353955.2); c.5711G>T, p.Arg1904Leu (NM_001353960.2); c.3356G>T, p.Arg1119Leu (NM_001353961.2); short protein forms R1922L, R1933L, R1904L, R1119L, R1921L, R1905L.
Identifiers: ClinVar variation 238605 (VCV000238605.13), dbSNP rs556893466, ClinGen allele CA1942640.

ClinVar aggregate classification (germline): Uncertain significance. Review status: criteria provided, multiple submitters, no conflicts (2 of 4 stars). 2 submissions from 2 submitters: Uncertain significance (2). Last evaluated 2025-11-17.

Conditions:
Early-infantile DEE. Also called: Ohtahara syndrome; Early infantile epileptic encephalopathy; Early infantile epileptic encephalopathy with suppression bursts. Identifiers: Orphanet 1934, MedGen C0393706, MONDO:0800491.

Allele frequency attached by ClinVar (database versions not stated): TOPMed 0.00001; 1000 Genomes Project 30x 0.00031; 1000 Genomes Project 0.00040.
gnomAD v4.1: 5 of 1,613,776 alleles (0.00031%); highest among the groups gnomAD compares: East Asian, 0.0067%; no homozygotes.

Submissions (2):

Labcorp Genetics (formerly Invitae), Labcorp
Classification: Uncertain significance for Early-infantile DEE. Last evaluated: 2025-11-17. Review status: criteria provided, single submitter. Criteria: Invitae Variant Classification Sherloc (09022015). Collection method: clinical testing. Allele origin: germline.
Comment: This sequence change replaces arginine, which is basic and polar, with leucine, which is neutral and non-polar, at codon 1933 of the SCN1A protein (p.Arg1933Leu). This variant is present in population databases (rs556893466, gnomAD 0.02%). This variant has not been reported in the literature in individuals affected with SCN1A-related conditions. ClinVar contains an entry for this variant (Variation ID: 238605). Invitae Evidence Modeling of protein sequence and biophysical properties (such as structural, functional, and spatial information, amino acid conservation, physicochemical variation, residue mobility, and thermodynamic stability) indicates that this missense variant is not expected to disrupt SCN1A protein function with a negative predictive value of 95%. In summary, the available evidence is currently insufficient to determine the role of this variant in disease. Therefore, it has been classified as a Variant of Uncertain Significance.

Revvity Omics, Revvity
Classification: Uncertain significance. Last evaluated: 2021-03-11. Review status: criteria provided, single submitter. Criteria: ACMG Guidelines, 2015. Collection method: clinical testing. Allele origin: germline.